The following is an entry in ClinVar:

NM_001297.5(CNGB1):c.2141A>G (p.Gln714Arg)

Gene: CNGB1 (cyclic nucleotide gated channel subunit beta 1; minus strand). Cytogenetic location: 16q21.
Variant type: single nucleotide variant.
Coding change: c.2141A>G on transcript NM_001297.5 (MANE Select); coding-DNA position 2141, A replaced by G.
Protein change: p.Gln714Arg; replaces glutamine 714 with arginine.
Molecular consequence: missense variant.
Genome position (GRCh38, 1-based): chr16:57,917,293, T>C on the plus strand (A>G on the coding strand, the complement: CNGB1 is on the minus strand). VCF-style: chr16-57917293-T-C. GRCh37 (hg19) VCF-style: chr16-57951197-T-C.
Other names: c.2123A>G, p.Gln708Arg (NM_001286130.2); short protein forms Q714R, Q708R.
Identifiers: ClinVar variation 1379530 (VCV001379530.6), dbSNP rs199936918, ClinGen allele CA8083166.

ClinVar aggregate classification (germline): Uncertain significance (1 of 4 stars; one submission).

Allele frequency attached by ClinVar (database versions not stated): gnomAD exomes 0.00001 and 0.00002; TOPMed 0.00001; ExAC 0.00003.
gnomAD v4.1: 14 of 1,614,012 alleles (0.00087%); no homozygotes.

Submission:

Labcorp Genetics (formerly Invitae), Labcorp
Classification: Uncertain significance. Last evaluated: 2022-08-22. Review status: criteria provided, single submitter. Criteria: Invitae Variant Classification Sherloc (09022015). Collection method: clinical testing. Allele origin: germline.
Comment: In summary, the available evidence is currently insufficient to determine the role of this variant in disease. Therefore, it has been classified as a Variant of Uncertain Significance. Algorithms developed to predict the effect of missense changes on protein structure and function (SIFT, PolyPhen-2, Align-GVGD) all suggest that this variant is likely to be tolerated. ClinVar contains an entry for this variant (Variation ID: 1379530). This variant has not been reported in the literature in individuals affected with CNGB1-related conditions. This variant is present in population databases (rs199936918, gnomAD 0.06%). This sequence change replaces glutamine, which is neutral and polar, with arginine, which is basic and polar, at codon 714 of the CNGB1 protein (p.Gln714Arg).